The following is an entry in ClinVar:

ClinVar aggregate classification (germline): Conflicting classifications of pathogenicity. Review status: criteria provided, conflicting classifications (1 of 4 stars). 8 submissions from 7 submitters: Uncertain significance (7); Likely benign (1). Last evaluated 2026-01-21.

Conditions:
NF1-related disorder. Also called: NF1-related condition. Identifiers: MedGen CN379171.
Hereditary cancer-predisposing syndrome. Also called: Neoplastic Syndromes, Hereditary; Hereditary neoplastic syndrome; Hereditary Cancer Syndrome; Tumor predisposition. Identifiers: Orphanet 140162, MedGen C0027672, MeSH D009386, MONDO:0015356.
Cardiovascular phenotype. Identifiers: MedGen CN230736.
Neurofibromatosis, type 1 (NF1). Also called: Neurofibromatosis, type I; Peripheral type neurofibromatosis; NEUROFIBROMATOSIS, TYPE I, SOMATIC; VON RECKLINGHAUSEN DISEASE. Identifiers: Orphanet 636, MedGen C0027831, MONDO:0018975, OMIM 162200. Disease mechanism: loss of function.
Neurofibromatosis, familial spinal (FSNF). Identifiers: Orphanet 636, MedGen C1834235, MONDO:0008078, OMIM 162210. Disease mechanism: loss of function.
Neurofibromatosis-Noonan syndrome (NFNS). Also called: NEUROFIBROMATOSIS WITH NOONAN PHENOTYPE. Identifiers: Orphanet 638, MedGen C2931482, MONDO:0011035, OMIM 601321. Disease mechanism: loss of function.
Café-au-lait macules with pulmonary stenosis (WTSN). Also called: PULMONIC STENOSIS WITH CAFE-AU-LAIT SPOTS. Identifiers: MedGen C0553586, MONDO:0008672, OMIM 193520.
Juvenile myelomonocytic leukemia (JMML). Also called: LEUKEMIA, JUVENILE MYELOMONOCYTIC, SOMATIC. Identifiers: Orphanet 86834, MedGen C0349639, MONDO:0011908, OMIM 607785, HP:0012209.

Allele frequency attached by ClinVar (database versions not stated): gnomAD exomes below 0.00001; gnomAD 0.00001; TOPMed 0.00001.
gnomAD v4.1: 5 of 1,613,974 alleles (0.00031%); highest among the groups gnomAD compares: African/African-American, 0.004%; no homozygotes.

Submissions (8):

PreventionGenetics, part of Exact Sciences
Classification: Uncertain significance for NF1-related condition. Last evaluated: 2026-01-21. Review status: criteria provided, single submitter. Criteria: ACMG Guidelines, 2015. Collection method: clinical testing. Allele origin: germline.
Comment: The NF1 c.4055G>C variant is predicted to result in the amino acid substitution p.Ser1352Thr. To our knowledge, this variant has not been reported in the literature. This variant is reported in 0.0062% of alleles in individuals of African descent in gnomAD. This variant has conflicting interpretations ranging from likely benign to uncertain in ClinVar (ClinVar ID: 234185). At this time, the clinical significance of this variant is uncertain due to the absence of conclusive functional and genetic evidence.

Labcorp Genetics (formerly Invitae), Labcorp
Classification: Likely benign for Neurofibromatosis, type 1. Last evaluated: 2025-08-24. Review status: criteria provided, single submitter. Criteria: Invitae Variant Classification Sherloc (09022015). Collection method: clinical testing. Allele origin: germline.

GeneDx
Classification: Uncertain significance. Last evaluated: 2024-08-28. Review status: criteria provided, single submitter. Criteria: GeneDx Variant Classification Process June 2021. Collection method: clinical testing. Allele origin: germline. Affected: yes.
Comment: In silico analysis indicates that this missense variant does not alter protein structure/function; This variant is associated with the following publications: (PMID: 36200007, 22807134, 25486365, 28873162)

Baylor Genetics
Classification: Uncertain significance for Juvenile myelomonocytic leukemia. Last evaluated: 2023-08-11. Review status: criteria provided, single submitter. Criteria: ACMG Guidelines, 2015. Collection method: clinical testing. Allele origin: unknown.

Ambry Genetics
Classification: Uncertain significance for Cardiovascular phenotype; Hereditary cancer-predisposing syndrome. Last evaluated: 2022-05-25. Review status: criteria provided, single submitter. Criteria: Ambry Variant Classification Scheme 2023. Collection method: clinical testing. Allele origin: germline.

Fulgent Genetics
Classification: Uncertain significance for Neurofibromatosis, type 1; Neurofibromatosis, familial spinal; Café-au-lait macules with pulmonary stenosis; Neurofibromatosis-Noonan syndrome; Juvenile myelomonocytic leukemia. Last evaluated: 2022-03-19. Review status: criteria provided, single submitter. Criteria: ACMG Guidelines, 2015. Collection method: clinical testing. Allele origin: unknown.

Genome-Nilou Lab
Classification: Uncertain significance for Neurofibromatosis, type 1. Last evaluated: 2022-03-15. Review status: criteria provided, single submitter. Criteria: ACMG Guidelines, 2015. Collection method: clinical testing. Allele origin: germline. Affected: no.

Ambry Genetics
Classification: Uncertain significance for Hereditary cancer-predisposing syndrome. Last evaluated: 2015-09-24. Review status: criteria provided, single submitter. Criteria: Ambry Autosomal Dominant and X-Linked criteria (10/2015). Collection method: clinical testing. Allele origin: germline. Observed: 1 variant allele.
Comment: The p.S1352T variant (also known as c.4055G>C), located in coding exon 30 of the NF1 gene, results from a G to C substitution at nucleotide position 4055. The serine at codon 1352 is replaced by threonine, an amino acid with similar properties. This variant was not reported in population based cohorts in the following databases: Database of Single Nucleotide Polymorphisms (dbSNP), NHLBI Exome Sequencing Project (ESP), and 1000 Genomes Project. In the ESP, this variant was not observed in 6503 samples (13006 alleles) with coverage at this position. To date, this alteration has been detected with an allele frequency of approximately 0.002% (greater than 55000alleles tested) in our clinical cohort.This amino acid position is highly conserved through the opossum, but is not conserved in lower species. In addition, this alteration is predicted to be tolerated by in silico analysis.Since supporting evidence is limited at this time, the clinical significance of p.S1352T remains unclear.

NM_001042492.3(NF1):c.4055G>C (p.Ser1352Thr)

Gene: NF1 (neurofibromin 1; plus strand). Cytogenetic location: 17q11.2.
Variant type: single nucleotide variant.
Coding change: c.4055G>C on transcript NM_001042492.3 (MANE Select); coding-DNA position 4055, G replaced by C.
Protein change: p.Ser1352Thr; replaces serine 1352 with threonine.
Molecular consequence: missense variant.
Genome position (GRCh38, 1-based): chr17:31,249,064, G>C. VCF-style: chr17-31249064-G-C. GRCh37 (hg19) VCF-style: chr17-29576082-G-C.
Other names: c.4055G>C, p.Ser1352Thr (NM_000267.4); short protein forms S1352T.
Identifiers: ClinVar variation 234185 (VCV000234185.24), dbSNP rs876660908, ClinGen allele CA10580306.